The following is an entry in ClinVar:

ClinVar aggregate classification (germline): Uncertain significance. Review status: criteria provided, multiple submitters, no conflicts (2 of 4 stars). 5 submissions from 5 submitters: Uncertain significance (5). Last evaluated 2025-06-12.

Conditions:
Inborn genetic diseases. Identifiers: MedGen C0950123, MeSH D030342.
Nephronophthisis. Also called: Juvenile Nephronophthisis. Identifiers: Orphanet 655, MedGen C0687120, MONDO:0019005, HP:0000090.
Senior-Loken syndrome 5 (SLSN5). Identifiers: Orphanet 3156, MedGen C1836517, MONDO:0012225, OMIM 609254.

Allele frequency attached by ClinVar (database versions not stated): gnomAD below 0.00001 and 0.00001; gnomAD exomes 0.00007 and 0.00014; ExAC 0.00014.
gnomAD v4.1: 95 of 1,614,064 alleles (0.0059%); highest among the groups gnomAD compares: South Asian, 0.1%; 1 homozygote.

Submissions (5):

Labcorp Genetics (formerly Invitae), Labcorp
Classification: Uncertain significance for Nephronophthisis. Last evaluated: 2025-06-12. Review status: criteria provided, single submitter. Criteria: Invitae Variant Classification Sherloc (09022015). Collection method: clinical testing. Allele origin: germline.
Comment: This sequence change replaces alanine, which is neutral and non-polar, with threonine, which is neutral and polar, at codon 484 of the IQCB1 protein (p.Ala484Thr). This variant is present in population databases (rs776788131, gnomAD 0.1%). This variant has not been reported in the literature in individuals affected with IQCB1-related conditions. ClinVar contains an entry for this variant (Variation ID: 497681). Invitae Evidence Modeling of protein sequence and biophysical properties (such as structural, functional, and spatial information, amino acid conservation, physicochemical variation, residue mobility, and thermodynamic stability) indicates that this missense variant is not expected to disrupt IQCB1 protein function with a negative predictive value of 80%. In summary, the available evidence is currently insufficient to determine the role of this variant in disease. Therefore, it has been classified as a Variant of Uncertain Significance.

Ambry Genetics
Classification: Uncertain significance for Inborn genetic diseases. Last evaluated: 2024-03-04. Review status: criteria provided, single submitter. Criteria: Ambry Variant Classification Scheme 2023. Collection method: clinical testing. Allele origin: germline.

Fulgent Genetics
Classification: Uncertain significance for Senior-Loken syndrome 5. Last evaluated: 2022-01-10. Review status: criteria provided, single submitter. Criteria: ACMG Guidelines, 2015. Collection method: clinical testing. Allele origin: unknown.

Genetic Services Laboratory, University of Chicago
Classification: Uncertain significance. Last evaluated: 2018-08-21. Review status: criteria provided, single submitter. Criteria: ACMG Guidelines, 2015. Collection method: clinical testing. Allele origin: germline. Affected: no.

Eurofins Ntd Llc (ga)
Classification: Uncertain significance. Last evaluated: 2016-10-24. Review status: criteria provided, single submitter. Criteria: EGL Classification Definitions 2015. Collection method: clinical testing. Allele origin: germline. Observed: 1 variant allele, 1 heterozygote.

NM_001023570.4(IQCB1):c.1450G>A (p.Ala484Thr)

Gene: IQCB1 (IQ motif containing B1; minus strand). Cytogenetic location: 3q13.33.
Variant type: single nucleotide variant.
Coding change: c.1450G>A on transcript NM_001023570.4 (MANE Select); coding-DNA position 1450, G replaced by A.
Protein change: p.Ala484Thr; replaces alanine 484 with threonine.
Molecular consequence: missense variant. On other transcripts: non-coding transcript variant (1).
Genome position (GRCh38, 1-based): chr3:121,772,674, C>T on the plus strand (G>A on the coding strand, the complement: IQCB1 is on the minus strand). VCF-style: chr3-121772674-C-T. GRCh37 (hg19) VCF-style: chr3-121491521-C-T.
Other names: c.1051G>A, p.Ala351Thr (NM_001023571.4); c.1450G>A, p.Ala484Thr (NM_001319107.2); short protein forms A484T, A351T.
Identifiers: ClinVar variation 497681 (VCV000497681.17), dbSNP rs776788131, ClinGen allele CA2567090.